The following is an entry in ClinVar:

NM_201384.3(PLEC):c.5200G>T (p.Glu1734Ter)

Gene: PLEC (plectin; minus strand). Cytogenetic location: 8q24.3.
Variant type: single nucleotide variant.
Coding change: c.5200G>T on transcript NM_201384.3 (MANE Select); coding-DNA position 5200, G replaced by T.
Protein change: p.Glu1734Ter; replaces glutamic acid 1734 with a stop codon.
Molecular consequence: nonsense. On other transcripts: intron variant (1).
Genome position (GRCh38, 1-based): chr8:143,924,729, C>A on the plus strand (G>T on the coding strand, the complement: PLEC is on the minus strand). VCF-style: chr8-143924729-C-A. GRCh37 (hg19) VCF-style: chr8-144998897-C-A.
Other names: c.5281G>T, p.Glu1761Ter (NM_000445.5); c.5158G>T, p.Glu1720Ter (NM_201378.4); c.5134G>T, p.Glu1712Ter (NM_201379.3); c.5611G>T, p.Glu1871Ter (NM_201380.4); c.5104G>T, p.Glu1702Ter (NM_201381.3); c.5200G>T, p.Glu1734Ter (NM_201382.4); c.5212G>T, p.Glu1738Ter (NM_201383.3); c.4125+2055G>T (NM_001410941.1); short protein forms E1702*, E1712*, E1720*, E1734*, E1738*, E1761*, E1871*.
Identifiers: ClinVar variation 3756317 (VCV003756317.2).

ClinVar aggregate classification (germline): Pathogenic (1 of 4 stars; one submission).

Conditions:
Epidermolysis bullosa simplex with nail dystrophy (EBS5D). Identifiers: MedGen C4225309, MONDO:0014661, OMIM 616487.
Epidermolysis bullosa simplex, Ogna type (EBS5A). Also called: Pidermolysis bullosa simplex 5A, Ogna type; EPIDERMOLYSIS BULLOSA SIMPLEX 5A, OGNA TYPE. Identifiers: Orphanet 79401, MedGen C0432317, MONDO:0007555, OMIM 131950.
Autosomal recessive limb-girdle muscular dystrophy type 2Q (LGMDR17). Also called: MUSCULAR DYSTROPHY, LIMB-GIRDLE, AUTOSOMAL RECESSIVE 17. Identifiers: Orphanet 254361, MedGen C3150989, MONDO:0013390, OMIM 613723.
Epidermolysis bullosa simplex 5B, with muscular dystrophy (EBS5B). Also called: EPIDERMOLYSIS BULLOSA SIMPLEX AND LIMB-GIRDLE MUSCULAR DYSTROPHY; Epidermolysis bullosa simplex with muscular dystrophy. Identifiers: Orphanet 257, MedGen C2931072, MONDO:0009181, OMIM 226670.
Epidermolysis bullosa simplex 5C, with pyloric atresia (EBS5C). Also called: PLEC-Related Epidermolysis Bullosa with Pyloric Atresia; Epidermolysis bullosa simplex with pyloric atresia; PLEC1-Related Epidermolysis Bullosa with Pyloric Atresia. Identifiers: Orphanet 158684, MedGen C2677349, MONDO:0012807, OMIM 612138.

Submission:

Labcorp Genetics (formerly Invitae), Labcorp
Classification: Pathogenic for Autosomal recessive limb-girdle muscular dystrophy type 2Q; Epidermolysis bullosa simplex, Ogna type; Epidermolysis bullosa simplex with nail dystrophy; Epidermolysis bullosa simplex 5C, with pyloric atresia; Epidermolysis bullosa simplex 5B, with muscular dystrophy. Last evaluated: 2024-06-16. Review status: criteria provided, single submitter. Criteria: Invitae Variant Classification Sherloc (09022015). Collection method: clinical testing. Allele origin: germline.
Comment: This sequence change creates a premature translational stop signal (p.Glu1761*) in the PLEC gene. It is expected to result in an absent or disrupted protein product. Loss-of-function variants in PLEC are known to be pathogenic (PMID: 20301336, 20447487, 21109228, 23289980, 28824526). This variant is not present in population databases (gnomAD no frequency). This variant has not been reported in the literature in individuals affected with PLEC-related conditions. For these reasons, this variant has been classified as Pathogenic.

Literature cited by the submitters: PubMed 20301336; PubMed 20447487; PubMed 21109228; PubMed 23289980; PubMed 28824526.